The following is an entry in ClinVar:

ClinVar aggregate classification (germline): Pathogenic. Review status: criteria provided, single submitter (1 of 4 stars). 2 submissions from 2 submitters: Pathogenic (1). 1 of the submissions does not count toward it. Last evaluated 2024-05-20.

Conditions:
Bosch-Boonstra-Schaaf optic atrophy syndrome (BBSOAS). Also called: NR2F1-Related Neurodevelopmental Disorder. Identifiers: Orphanet 401777, MedGen C3810363, MONDO:0014320, OMIM 615722.

Allele frequency attached by ClinVar (database versions not stated): TOPMed below 0.00001; gnomAD 0.00001.

Submissions (2):

GeneDx
Classification: Pathogenic. Last evaluated: 2024-05-20. Review status: criteria provided, single submitter. Criteria: GeneDx Variant Classification Process June 2021. Collection method: clinical testing. Allele origin: germline. Affected: yes.
Comment: Not observed at significant frequency in large population cohorts (gnomAD); Nonsense variant predicted to result in protein truncation, as the last 51 amino acids are lost, and other loss-of-function variants have been reported downstream in HGMD; This variant is associated with the following publications: (PMID: 26986877, 36923788, 34837429, 38511490, 32275123, 34573359)

Biochemical Molecular Genetic Laboratory, King Abdulaziz Medical City
Classification: Likely pathogenic for Bosch-Boonstra-Schaaf optic atrophy syndrome. Last evaluated: 2019-09-26. Review status: no assertion criteria provided. Collection method: clinical testing. Allele origin: germline. Affected: yes. Not counted in ClinVar's aggregate classification.

NM_005654.6(NR2F1):c.1117C>T (p.Arg373Ter)

Gene: NR2F1 (nuclear receptor subfamily 2 group F member 1; plus strand). Cytogenetic location: 5q15.
Variant type: single nucleotide variant.
Coding change: c.1117C>T on transcript NM_005654.6 (MANE Select); coding-DNA position 1117, C replaced by T.
Protein change: p.Arg373Ter; replaces arginine 373 with a stop codon.
Molecular consequence: nonsense.
Genome position (GRCh38, 1-based): chr5:93,593,687, C>T. VCF-style: chr5-93593687-C-T. GRCh37 (hg19) VCF-style: chr5-92929393-C-T.
Other names: c.1117C>T (NM_005654.4); short protein forms R373*.
Identifiers: ClinVar variation 800977 (VCV000800977.2), dbSNP rs1297603674, ClinGen allele CA360527835.